The following is an entry in ClinVar:

ClinVar aggregate classification (germline): Conflicting classifications of pathogenicity. Review status: criteria provided, conflicting classifications (1 of 4 stars). 6 submissions from 6 submitters: Uncertain significance (2); Benign (1); Likely benign (2). 1 of the submissions does not count toward it. Last evaluated 2025-12-15.

Conditions:
Cardiovascular phenotype. Identifiers: MedGen CN230736.
TBX1-related disorder. Also called: TBX1-Related Disorders; TBX1-related condition.
DiGeorge syndrome. Also called: THIRD AND FOURTH PHARYNGEAL POUCH SYNDROME; Catch22. Identifiers: Orphanet 567, MedGen C0012236, MONDO:0008564, OMIM 188400.

Allele frequency attached by ClinVar (database versions not stated): gnomAD 0.00006; TOPMed 0.00012; gnomAD exomes 0.00045; ExAC 0.00056.
gnomAD v4.1: 243 of 1,545,000 alleles (0.016%); highest among the groups gnomAD compares: South Asian, 0.23%; 2 homozygotes.

Submissions (6):

Labcorp Genetics (formerly Invitae), Labcorp
Classification: Likely benign for DiGeorge syndrome. Last evaluated: 2025-12-15. Review status: criteria provided, single submitter. Criteria: Invitae Variant Classification Sherloc (09022015). Collection method: clinical testing. Allele origin: germline.

Blueprint Genetics
Classification: Likely benign. Last evaluated: 2024-08-17. Review status: criteria provided, single submitter. Criteria: ACMG Guidelines, 2015. Collection method: clinical testing. Allele origin: germline.

CeGaT Center for Human Genetics Tuebingen
Classification: Benign. Last evaluated: 2022-09-01. Review status: criteria provided, single submitter. Criteria: CeGaT Center For Human Genetics Tuebingen Variant Classification Criteria Version 2. Collection method: clinical testing. Allele origin: germline. Affected: yes. Observed: 1 variant allele.
Comment: TBX1: BS1, BS2

Genetic Services Laboratory, University of Chicago
Classification: Uncertain significance. Last evaluated: 2020-09-10. Review status: criteria provided, single submitter. Criteria: ACMG Guidelines, 2015. Collection method: clinical testing. Allele origin: germline. Affected: no.
Comment: DNA sequence analysis of the TBX1 gene demonstrated a sequence change, c.1325G>C, in exon 9 that results in an amino acid change, p.Arg442Pro. This sequence change does not appear to have been previously described in patients with TBX1-related disorders. This sequence change has been described in the gnomAD database with a low population frequency of 0.045% (dbSNP rs755937050). The p.Arg442Pro change affects a moderately conserved amino acid residue of the TBX1 protein. In-silico pathogenicity prediction tools (SIFT, PolyPhen2, Align GVGD, REVEL) provide contradictory results for the p.Arg442Pro substitution. Due to these contrasting evidences and the lack of functional studies, the clinical significance of the p.Arg442Pro change remains unknown at this time.

Ambry Genetics
Classification: Uncertain significance for Cardiovascular phenotype. Last evaluated: 2017-07-12. Review status: criteria provided, single submitter. Criteria: Ambry Variant Classification Scheme 2023. Collection method: clinical testing. Allele origin: germline.
Comment: The p.R442P variant (also known as c.1325G>C), located in coding exon 8 of the TBX1 gene, results from a G to C substitution at nucleotide position 1325. The arginine at codon 442 is replaced by proline, an amino acid with dissimilar properties. This amino acid position is highly conserved in available vertebrate species. In addition, the in silico prediction for this alteration is inconclusive. Since supporting evidence is limited at this time, the clinical significance of this alteration remains unclear.

PreventionGenetics, part of Exact Sciences
Classification: Likely benign for TBX1-related condition. Last evaluated: 2021-10-06. Review status: no assertion criteria provided. Collection method: clinical testing. Allele origin: germline. Not counted in ClinVar's aggregate classification.
Comment: This variant is classified as likely benign based on ACMG/AMP sequence variant interpretation guidelines (Richards et al. 2015 PMID: 25741868, with internal and published modifications).

NM_001379200.1(TBX1):c.1352G>C (p.Arg451Pro)

Gene: TBX1 (T-box transcription factor 1; plus strand). Cytogenetic location: 22q11.21.
Variant type: single nucleotide variant.
Coding change: c.1352G>C on transcript NM_001379200.1 (MANE Select); coding-DNA position 1352, G replaced by C.
Protein change: p.Arg451Pro; replaces arginine 451 with proline.
Molecular consequence: missense variant. On other transcripts: intron variant (2).
Genome position (GRCh38, 1-based): chr22:19,766,704, G>C. VCF-style: chr22-19766704-G-C. GRCh37 (hg19) VCF-style: chr22-19754227-G-C.
Other names: c.1325G>C, p.Arg442Pro (NM_080647.1); c.1009+702G>C (NM_005992.1, NM_080646.2); short protein forms R442P, R451P.
Identifiers: ClinVar variation 518598 (VCV000518598.45), dbSNP rs755937050, ClinGen allele CA10102722.
Genomic context (GRCh38, chr22:19,766,704, plus strand): 5'-CCTACGACCACTATCTCGGGGCCAAGAGCCGGCCGGCGCCCTACCCGCTGCCCGGCCTGC[G>C]TGGCCACGGCTACCACCCGCACGCGCATCCGCACCACCACCACCACCCCGTGAGTCCAGC-3'
Protein context (NP_001366129.1, residues 441-461): RPAPYPLPGL[Arg451Pro]GHGYHPHAHP